The following is an entry in ClinVar:

ClinVar aggregate classification (germline): Uncertain significance (1 of 4 stars; one submission).

Allele frequency attached by ClinVar (database versions not stated): gnomAD exomes 0.00001; TOPMed 0.00001; gnomAD 0.00002.
gnomAD v4.1: 13 of 1,207,190 alleles (0.0011%); highest among the groups gnomAD compares: Non-Finnish European, 0.0011%; no homozygotes.

Submission:

Labcorp Genetics (formerly Invitae), Labcorp
Classification: Uncertain significance. Last evaluated: 2022-08-30. Review status: criteria provided, single submitter. Criteria: Invitae Variant Classification Sherloc (09022015). Collection method: clinical testing. Allele origin: germline.
Comment: This sequence change replaces proline, which is neutral and non-polar, with leucine, which is neutral and non-polar, at codon 1163 of the COL4A5 protein (p.Pro1163Leu). This variant is not present in population databases (gnomAD no frequency). This variant has not been reported in the literature in individuals affected with COL4A5-related conditions. Advanced modeling of protein sequence and biophysical properties (such as structural, functional, and spatial information, amino acid conservation, physicochemical variation, residue mobility, and thermodynamic stability) performed at Invitae indicates that this missense variant is not expected to disrupt COL4A5 protein function. In summary, the available evidence is currently insufficient to determine the role of this variant in disease. Therefore, it has been classified as a Variant of Uncertain Significance.

NM_033380.3(COL4A5):c.3488C>T (p.Pro1163Leu)

Gene: COL4A5 (collagen type IV alpha 5 chain; plus strand). Cytogenetic location: Xq22.3.
Variant type: single nucleotide variant.
Coding change: c.3488C>T on transcript NM_033380.3 (MANE Select); coding-DNA position 3488, C replaced by T.
Protein change: p.Pro1163Leu; replaces proline 1163 with leucine.
Molecular consequence: missense variant.
Genome position (GRCh38, 1-based): chrX:108,666,529, C>T. VCF-style: chrX-108666529-C-T. GRCh37 (hg19) VCF-style: chrX-107909759-C-T.
Other names: c.3488C>T, p.Pro1163Leu (NM_000495.5); short protein forms P1163L.
Identifiers: ClinVar variation 2174967 (VCV002174967.1), dbSNP rs748129582, ClinGen allele CA10489122.